The following is an entry in ClinVar:

ClinVar aggregate classification (germline): Uncertain significance (1 of 4 stars; one submission).

Conditions:
Inborn genetic diseases. Identifiers: MedGen C0950123, MeSH D030342.

Submission:

Ambry Genetics
Classification: Uncertain significance for Inborn genetic diseases. Last evaluated: 2024-04-17. Review status: criteria provided, single submitter. Criteria: Ambry Variant Classification Scheme 2023. Collection method: clinical testing. Allele origin: germline.
Comment: The p.N363D variant (also known as c.1087A>G), located in coding exon 9 of the LRRK2 gene, results from an A to G substitution at nucleotide position 1087. The asparagine at codon 363 is replaced by aspartic acid, an amino acid with highly similar properties. This amino acid position is conserved. In addition, this alteration is predicted to be tolerated by in silico analysis. Since supporting evidence is limited at this time, the clinical significance of this alteration remains unclear.

NM_198578.4(LRRK2):c.1087A>G (p.Asn363Asp)

Gene: LRRK2 (leucine rich repeat kinase 2; plus strand). Cytogenetic location: 12q12.
Variant type: single nucleotide variant.
Coding change: c.1087A>G on transcript NM_198578.4 (MANE Select); coding-DNA position 1087, A replaced by G.
Protein change: p.Asn363Asp; replaces asparagine 363 with aspartic acid.
Molecular consequence: missense variant.
Genome position (GRCh38, 1-based): chr12:40,251,360, A>G. VCF-style: chr12-40251360-A-G. GRCh37 (hg19) VCF-style: chr12-40645162-A-G.
Other names: short protein forms N363D.
Identifiers: ClinVar variation 1787937 (VCV001787937.3), dbSNP rs2499503955, ClinGen allele CA384407986.